The following is an entry in ClinVar:

ClinVar aggregate classification (germline): Pathogenic (1 of 4 stars; one submission).

Conditions:
Pheochromocytoma. Also called: MAX-Related Hereditary Paraganglioma-Pheochromocytoma Syndrome. Identifiers: Orphanet 29072, MedGen C0031511, MONDO:0008233, OMIM 171300, HP:0002666.
Gastrointestinal stromal tumor. Also called: Gastrointestinal stroma tumor; Gastrointestinal stromal tumor, somatic. Identifiers: Orphanet 44890, MedGen C0238198, MeSH D046152, MONDO:0011719, OMIM 606764, HP:0100723.
Pheochromocytoma/paraganglioma syndrome 4. Also called: CAROTID BODY TUMORS AND MULTIPLE EXTRAADRENAL PHEOCHROMOCYTOMAS; PARAGANGLIOMA, FAMILIAL MALIGNANT; PARAGANGLIOMAS, HEREDITARY EXTRAADRENAL; PHEOCHROMOCYTOMA, FAMILIAL EXTRAADRENAL; Paragangliomas 4; SDHB-Related Hereditary Paraganglioma-Pheochromocytoma Syndrome (Paragangliomas 4). Identifiers: Orphanet 29072, MedGen C1861848, MONDO:0007273, OMIM 115310.

Submission:

Labcorp Genetics (formerly Invitae), Labcorp
Classification: Pathogenic for Gastrointestinal stromal tumor; Pheochromocytoma/paraganglioma syndrome 4; Pheochromocytoma. Last evaluated: 2021-10-19. Review status: criteria provided, single submitter. Criteria: Invitae Variant Classification Sherloc (09022015). Collection method: clinical testing. Allele origin: germline.
Comment: For these reasons, this variant has been classified as Pathogenic. A similar copy number variant has been observed in individual(s) with clinical features of paraganglioma-pheochromocytoma syndrome (PMID: 20379037, 23666964). This variant is a gross deletion of the genomic region encompassing exon(s) 1-2 of the SDHB gene, which includes the initiator codon. This deletion extends beyond the assayed region for this gene and therefore may encompass additional genes. It is expected to result in an absent or disrupted protein product. Loss-of-function variants in SDHB are known to be pathogenic (PMID: 19454582, 19802898).

Literature cited by the submitters: PubMed 20379037; PubMed 23666964; PubMed 19454582; PubMed 19802898.

NC_000001.10:g.(?_17371246)_(17380514_?)del

Gene: SDHB (succinate dehydrogenase complex iron sulfur subunit B; minus strand). Cytogenetic location: 1p36.13.
Variant type: Deletion.
Identifiers: ClinVar variation 2424595 (VCV002424595.12).